The following is an entry in ClinVar:

ClinVar aggregate classification (germline): Benign/Likely benign. Review status: criteria provided, multiple submitters, no conflicts (2 of 4 stars). 6 submissions from 6 submitters: Benign (1); Likely benign (2). 3 of the submissions do not count toward it. Last evaluated 2026-05-01.

Conditions:
ATCAY-related disorder. Also called: ATCAY-related condition.
Cayman type cerebellar ataxia. Also called: Cayman ataxia. Identifiers: Orphanet 94122, MedGen C1832585, MONDO:0011025, OMIM 601238.

Allele frequency attached by ClinVar (database versions not stated): gnomAD 0.00039 and 0.00074; TOPMed 0.00049; ESP Exome Variant Server 0.00093; gnomAD exomes 0.00103 and 0.00166; ExAC 0.00167; 1000 Genomes Project 0.00200; 1000 Genomes Project 30x 0.00203.
gnomAD v4.1: 1,601 of 1,613,870 alleles (0.099%); highest among the groups gnomAD compares: South Asian, 0.93%; 13 homozygotes.

Submissions (6):

CeGaT Center for Human Genetics Tuebingen
Classification: Likely benign. Last evaluated: 2026-05-01. Review status: criteria provided, single submitter. Criteria: CeGaT Center For Human Genetics Tuebingen Variant Classification Criteria Version 2. Collection method: clinical testing. Allele origin: germline. Affected: yes. Observed: 6 variant alleles.
Comment: ATCAY: BP4, BS1

Labcorp Genetics (formerly Invitae), Labcorp
Classification: Benign. Last evaluated: 2019-12-31. Review status: criteria provided, single submitter. Criteria: Invitae Variant Classification Sherloc (09022015). Collection method: clinical testing. Allele origin: germline.

Illumina Laboratory Services, Illumina
Classification: Likely benign for Cayman type cerebellar ataxia. Last evaluated: 2018-01-12. Review status: criteria provided, single submitter. Criteria: ICSL Variant Classification Criteria 13 December 2019. Collection method: clinical testing. Allele origin: germline.
Comment: This variant was observed in the ICSL laboratory as part of a predisposition screen in an ostensibly healthy population. It had not been previously curated by ICSL or reported in the Human Gene Mutation Database (HGMD: prior to June 1st, 2018), and was therefore a candidate for classification through an automated scoring system. Utilizing variant allele frequency, disease prevalence and penetrance estimates, and inheritance mode, an automated score was calculated to assess if this variant is too frequent to cause the disease. Based on the score and internal cut-off values, a variant classified as likely benign is not then subjected to further curation. The score for this variant resulted in a classification of likely benign for this disease.

PreventionGenetics, part of Exact Sciences
Classification: Benign for ATCAY-related condition. Last evaluated: 2019-05-13. Review status: no assertion criteria provided. Collection method: clinical testing. Allele origin: germline. Not counted in ClinVar's aggregate classification.
Comment: This variant is classified as benign based on ACMG/AMP sequence variant interpretation guidelines (Richards et al. 2015 PMID: 25741868, with internal and published modifications).

Clinical Genetics DNA and cytogenetics Diagnostics Lab, Erasmus MC, Erasmus Medical Center
Classification: Likely benign. Review status: no assertion criteria provided. Collection method: clinical testing. Allele origin: germline. Affected: yes. Study: VKGL Data-share Consensus. Not counted in ClinVar's aggregate classification.

Laboratory of Diagnostic Genome Analysis, Leiden University Medical Center (LUMC)
Classification: Likely benign. Review status: no assertion criteria provided. Collection method: clinical testing. Allele origin: germline. Affected: yes. Study: VKGL Data-share Consensus. Not counted in ClinVar's aggregate classification.

NM_033064.5(ATCAY):c.866+7C>T

Gene: ATCAY (ATCAY kinesin light chain interacting caytaxin; plus strand). Cytogenetic location: 19p13.3.
Variant type: single nucleotide variant.
Coding change: c.866+7C>T on transcript NM_033064.5 (MANE Select); 7 bases into the intron after coding-DNA position 866, C replaced by T.
Molecular consequence: intron variant.
Genome position (GRCh38, 1-based): chr19:3,910,896, C>T. VCF-style: chr19-3910896-C-T. GRCh37 (hg19) VCF-style: chr19-3910894-C-T.
Identifiers: ClinVar variation 713616 (VCV000713616.35), dbSNP rs140799527, ClinGen allele CA9087341.
Genomic context (GRCh38, chr19:3,910,896, plus strand): 5'-CCACCCCTCGTGGTTCATTCGGACTGTGCTGGCCATCTCTCGCCCTTTCATCAGGTGAGA[C>T]GGGGAGGCTGCAACCCAAGTCCAGTGGCCTCAGTGTGCGTGTGTGCGTGTGTGTATGCAT-3'